The following is an entry in ClinVar:

ClinVar aggregate classification (germline): Uncertain significance. Review status: criteria provided, multiple submitters, no conflicts (2 of 4 stars). 2 submissions from 2 submitters: Uncertain significance (2). Last evaluated 2024-12-14.

Conditions:
Jeune thoracic dystrophy. Also called: Short-rib thoracic dysplasia; Jeune syndrome; Infantile thoracic dystrophy; Thoracic pelvic phalangeal dystrophy; Jeune's syndrome; Chondroectodermal dysplasia-like syndrome. Identifiers: Orphanet 474, MedGen C0265275, MONDO:0018770.
Nephronophthisis. Also called: Juvenile Nephronophthisis. Identifiers: Orphanet 655, MedGen C0687120, MONDO:0019005, HP:0000090.
Inborn genetic diseases. Identifiers: MedGen C0950123, MeSH D030342.

gnomAD v4.1: 23 of 1,613,834 alleles (0.0014%); highest among the groups gnomAD compares: Middle Eastern, 0.016%; no homozygotes.

Submissions (2):

Labcorp Genetics (formerly Invitae), Labcorp
Classification: Uncertain significance for Jeune thoracic dystrophy; Nephronophthisis. Last evaluated: 2024-12-14. Review status: criteria provided, single submitter. Criteria: Invitae Variant Classification Sherloc (09022015). Collection method: clinical testing. Allele origin: germline.
Comment: This sequence change replaces glutamic acid, which is acidic and polar, with lysine, which is basic and polar, at codon 915 of the TTC21B protein (p.Glu915Lys). This variant is present in population databases (rs748527082, gnomAD 0.003%). This variant has not been reported in the literature in individuals affected with TTC21B-related conditions. Invitae Evidence Modeling of protein sequence and biophysical properties (such as structural, functional, and spatial information, amino acid conservation, physicochemical variation, residue mobility, and thermodynamic stability) has been performed for this missense variant. However, the output from this modeling did not meet the statistical confidence thresholds required to predict the impact of this variant on TTC21B protein function. In summary, the available evidence is currently insufficient to determine the role of this variant in disease. Therefore, it has been classified as a Variant of Uncertain Significance.

Ambry Genetics
Classification: Uncertain significance for Inborn genetic diseases. Last evaluated: 2024-11-13. Review status: criteria provided, single submitter. Criteria: Ambry Variant Classification Scheme 2023. Collection method: clinical testing. Allele origin: germline.

NM_024753.5(TTC21B):c.2743G>A (p.Glu915Lys)

Gene: TTC21B (tetratricopeptide repeat domain 21B; minus strand). Cytogenetic location: 2q24.3.
Variant type: single nucleotide variant.
Coding change: c.2743G>A on transcript NM_024753.5 (MANE Select); coding-DNA position 2743, G replaced by A.
Protein change: p.Glu915Lys; replaces glutamic acid 915 with lysine.
Molecular consequence: missense variant.
Genome position (GRCh38, 1-based): chr2:165,901,736, C>T on the plus strand (G>A on the coding strand, the complement: TTC21B is on the minus strand). VCF-style: chr2-165901736-C-T. GRCh37 (hg19) VCF-style: chr2-166758246-C-T.
Other names: short protein forms E915K.
Identifiers: ClinVar variation 3463243 (VCV003463243.2).
Genomic context (GRCh38, chr2:165,901,736, plus strand): 5'-AGACATCTGGAATAAAAGGTATTTAAAATTTTATAAAGGTACTGACCTTATTATCTGTTT[C>T]GCAGTGAACCAGAGCCTCTCTATAAAACTTAATTGCTTTTTCATAGTCTCGCTGAGCAAC-3'
Protein context (NP_079029.3, residues 905-925): KFYREALVHC[Glu915Lys]TDNKIMLELA